The following is an entry in ClinVar:

NM_003482.4(KMT2D):c.11282C>T (p.Pro3761Leu)

Gene: KMT2D (lysine methyltransferase 2D; minus strand). Cytogenetic location: 12q13.12.
Variant type: single nucleotide variant.
Coding change: c.11282C>T on transcript NM_003482.4 (MANE Select); coding-DNA position 11282, C replaced by T.
Protein change: p.Pro3761Leu; replaces proline 3761 with leucine.
Molecular consequence: missense variant.
Genome position (GRCh38, 1-based): chr12:49,033,423, G>A on the plus strand (C>T on the coding strand, the complement: KMT2D is on the minus strand). VCF-style: chr12-49033423-G-A. GRCh37 (hg19) VCF-style: chr12-49427206-G-A.
Other names: short protein forms P3761L.
Identifiers: ClinVar variation 2006817 (VCV002006817.4), dbSNP rs2498364281, ClinGen allele CA384720254.

ClinVar aggregate classification (germline): Uncertain significance (1 of 4 stars; one submission).

Conditions:
Kabuki syndrome. Also called: NIIKAWA-KUROKI SYNDROME; Kabuki make-up syndrome. Identifiers: Orphanet 2322, MedGen C0796004, MONDO:0016512.

Submission:

Labcorp Genetics (formerly Invitae), Labcorp
Classification: Uncertain significance for Kabuki syndrome. Last evaluated: 2022-06-15. Review status: criteria provided, single submitter. Criteria: Invitae Variant Classification Sherloc (09022015). Collection method: clinical testing. Allele origin: germline.
Comment: This sequence change replaces proline, which is neutral and non-polar, with leucine, which is neutral and non-polar, at codon 3761 of the KMT2D protein (p.Pro3761Leu). This variant is not present in population databases (gnomAD no frequency). This variant has not been reported in the literature in individuals affected with KMT2D-related conditions. Advanced modeling of protein sequence and biophysical properties (such as structural, functional, and spatial information, amino acid conservation, physicochemical variation, residue mobility, and thermodynamic stability) performed at Invitae indicates that this missense variant is not expected to disrupt KMT2D protein function. In summary, the available evidence is currently insufficient to determine the role of this variant in disease. Therefore, it has been classified as a Variant of Uncertain Significance.